The following is an entry in ClinVar:

NM_001953.5(TYMP):c.275C>A (p.Thr92Asn)

Genes: TYMP (thymidine phosphorylase; minus strand), LOC130067864 (ATAC-STARR-seq lymphoblastoid active region 19325; plus strand). Cytogenetic location: 22q13.33.
Variant type: single nucleotide variant.
Coding change: c.275C>A on transcript NM_001953.5 (MANE Select); coding-DNA position 275, C replaced by A.
Protein change: p.Thr92Asn; replaces threonine 92 with asparagine.
Molecular consequence: missense variant.
Genome position (GRCh38, 1-based): chr22:50,529,278, G>T on the plus strand (C>A on the coding strand, the complement: TYMP is on the minus strand). VCF-style: chr22-50529278-G-T. GRCh37 (hg19) VCF-style: chr22-50967707-G-T.
Other names: Thr>Asn; c.275C>A, p.Thr92Asn (LRG_727t2, LRG_727t1, NM_001113755.3 and 3 more transcripts); short protein forms T92N.
Identifiers: ClinVar variation 223022 (VCV000223022.11), dbSNP rs891107196, ClinGen allele CA16616774.

ClinVar aggregate classification (germline): Pathogenic/Likely pathogenic. Review status: criteria provided, multiple submitters, no conflicts (2 of 4 stars). 4 submissions from 4 submitters: Pathogenic (2); Likely pathogenic (1). 1 of the submissions does not count toward it. Last evaluated 2025-06-17.

Conditions:
Mitochondrial DNA depletion syndrome 1. Also called: Mitochondrial neurogastrointestinal encephalomyopathy syndrome; Mitochondrial DNA Depletion Syndrome, MNGIE Form; Mitochondrial DNA depletion syndrome 1 (MNGIE type); Mitochondrial Neurogastrointestinal Encephalopathy Disease; MITOCHONDRIAL NEUROGASTROINTESTINAL ENCEPHALOPATHY SYNDROME, TYMP-RELATED; MNGIE, TYMP-RELATED. Identifiers: Orphanet 298, MedGen C4551995, MONDO:0011283, OMIM 603041.

Allele frequency attached by ClinVar (database versions not stated): gnomAD exomes below 0.00001.

Submissions (4):

Women's Health and Genetics/Laboratory Corporation of America, LabCorp
Classification: Pathogenic for Mitochondrial DNA depletion syndrome 1. Last evaluated: 2025-06-17. Review status: criteria provided, single submitter. Criteria: LabCorp Variant Classification Summary - May 2015. Collection method: clinical testing. Allele origin: germline.
Comment: Variant summary: TYMP c.275C>A (p.Thr92Asn) results in a non-conservative amino acid change in the encoded protein sequence. Algorithms developed to predict the effect of missense changes on protein structure and function all suggest that this variant is likely to be disruptive. The variant was absent in 250274 control chromosomes. c.275C>A has been observed in multiple homozygous individuals in a family affected with Mitochondrial DNA Depletion Syndrome 1 (MNGIE type) (Schupbach_2007). These data indicate that the variant is very likely to be associated with disease. To our knowledge, no experimental evidence demonstrating an impact on protein function has been reported. The following publication have been ascertained in the context of this evaluation (PMID: 17294068). ClinVar contains an entry for this variant (Variation ID: 223022). Based on the evidence outlined above, the variant was classified as pathogenic.

Labcorp Genetics (formerly Invitae), Labcorp
Classification: Pathogenic. Last evaluated: 2023-12-24. Review status: criteria provided, single submitter. Criteria: Invitae Variant Classification Sherloc (09022015). Collection method: clinical testing. Allele origin: germline.
Comment: This sequence change replaces threonine, which is neutral and polar, with asparagine, which is neutral and polar, at codon 92 of the TYMP protein (p.Thr92Asn). This variant is not present in population databases (gnomAD no frequency). This missense change has been observed in individual(s) with mitochondrial neurogastrointestinal encephalomyopathy (PMID: 17294068). It has also been observed to segregate with disease in related individuals. ClinVar contains an entry for this variant (Variation ID: 223022). Advanced modeling of protein sequence and biophysical properties (such as structural, functional, and spatial information, amino acid conservation, physicochemical variation, residue mobility, and thermodynamic stability) has been performed at Invitae for this missense variant, however the output from this modeling did not meet the statistical confidence thresholds required to predict the impact of this variant on TYMP protein function. For these reasons, this variant has been classified as Pathogenic.

Baylor Genetics
Classification: Likely pathogenic for Mitochondrial DNA depletion syndrome 1. Last evaluated: 2023-12-23. Review status: criteria provided, single submitter. Criteria: ACMG Guidelines, 2015. Collection method: clinical testing. Allele origin: unknown.

GeneReviews
Classification: Pathogenic for Mitochondrial DNA depletion syndrome 1. Last evaluated: 2016-01-14. Review status: no assertion criteria provided. Collection method: literature only. Allele origin: germline. Affected: yes. Not counted in ClinVar's aggregate classification.

Literature cited by the submitters: PubMed 17294068 (cited by 3 submitters).